The following is an entry in ClinVar:

NM_005687.5(FARSB):c.716-3C>A

Gene: FARSB (phenylalanyl-tRNA synthetase subunit beta; minus strand). Cytogenetic location: 2q36.1.
Variant type: single nucleotide variant.
Coding change: c.716-3C>A on transcript NM_005687.5 (MANE Select); 3 bases into the intron before coding-DNA position 716, C replaced by A.
Molecular consequence: intron variant.
Genome position (GRCh38, 1-based): chr2:222,631,677, G>T on the plus strand (C>A on the coding strand, the complement: FARSB is on the minus strand). VCF-style: chr2-222631677-G-T. GRCh37 (hg19) VCF-style: chr2-223496396-G-T.
Identifiers: ClinVar variation 2414639 (VCV002414639.6), dbSNP rs781522279, ClinGen allele CA539400413.

ClinVar aggregate classification (germline): Uncertain significance (1 of 4 stars; one submission).

gnomAD v4.1: 1 of 1,503,934 alleles (0.000066%); highest among the groups gnomAD compares: Non-Finnish European, 0.000093%; no homozygotes.

Submission:

Labcorp Genetics (formerly Invitae), Labcorp
Classification: Uncertain significance. Last evaluated: 2022-11-15. Review status: criteria provided, single submitter. Criteria: Invitae Variant Classification Sherloc (09022015). Collection method: clinical testing. Allele origin: germline.
Comment: This variant has not been reported in the literature in individuals affected with FARSB-related conditions. This variant is present in population databases (no rsID available, gnomAD 0.0009%). This sequence change falls in intron 7 of the FARSB gene. It does not directly change the encoded amino acid sequence of the FARSB protein. It affects a nucleotide within the consensus splice site. In summary, the available evidence is currently insufficient to determine the role of this variant in disease. Therefore, it has been classified as a Variant of Uncertain Significance. Variants that disrupt the consensus splice site are a relatively common cause of aberrant splicing (PMID: 17576681, 9536098). Algorithms developed to predict the effect of sequence changes on RNA splicing suggest that this variant is not likely to affect RNA splicing.

Literature cited by the submitters: PubMed 17576681; PubMed 9536098.